The following is an entry in ClinVar:

ClinVar aggregate classification (germline): Uncertain significance (1 of 4 stars; one submission).

Conditions:
Severe early-onset pulmonary alveolar proteinosis due to MARS deficiency. Also called: PULMONARY ALVEOLAR PROTEINOSIS, REUNION ISLAND; Interstitial lung and liver disease. Identifiers: Orphanet 440427, MedGen C4225400, MONDO:0014206, OMIM 615486.
Charcot-Marie-Tooth disease axonal type 2U. Also called: CHARCOT-MARIE-TOOTH NEUROPATHY, TYPE 2U; CHARCOT-MARIE-TOOTH DISEASE, AXONAL, AUTOSOMAL DOMINANT, TYPE 2U. Identifiers: Orphanet 397735, MedGen C4084821, MONDO:0014566, OMIM 616280.

Allele frequency attached by ClinVar (database versions not stated): TOPMed below 0.00001; gnomAD exomes below 0.00001.
gnomAD v4.1: 3 of 1,613,942 alleles (0.00019%); highest among the groups gnomAD compares: Non-Finnish European, 0.00025%; no homozygotes.

Submission:

Labcorp Genetics (formerly Invitae), Labcorp
Classification: Uncertain significance for Charcot-Marie-Tooth disease axonal type 2U; Severe early-onset pulmonary alveolar proteinosis due to MARS deficiency. Last evaluated: 2023-08-27. Review status: criteria provided, single submitter. Criteria: Invitae Variant Classification Sherloc (09022015). Collection method: clinical testing. Allele origin: germline.
Comment: This variant is present in population databases (no rsID available, gnomAD 0.0009%). This variant has not been reported in the literature in individuals affected with MARS-related conditions. ClinVar contains an entry for this variant (Variation ID: 2190158). An algorithm developed to predict the effect of missense changes on protein structure and function (PolyPhen-2) suggests that this variant is likely to be tolerated. In summary, the available evidence is currently insufficient to determine the role of this variant in disease. Therefore, it has been classified as a Variant of Uncertain Significance. This sequence change replaces isoleucine, which is neutral and non-polar, with serine, which is neutral and polar, at codon 30 of the MARS protein (p.Ile30Ser).

NM_004990.4(MARS1):c.89T>G (p.Ile30Ser)

Genes: ARHGAP9 (Rho GTPase activating protein 9; minus strand), MARS1 (methionyl-tRNA synthetase 1; plus strand). Cytogenetic location: 12q13.3.
Variant type: single nucleotide variant.
Coding change: c.89T>G on transcript NM_004990.4 (MANE Select); coding-DNA position 89, T replaced by G.
Protein change: p.Ile30Ser; replaces isoleucine 30 with serine.
Molecular consequence: missense variant. On other transcripts: intron variant (1).
Genome position (GRCh38, 1-based): chr12:57,488,179, T>G. VCF-style: chr12-57488179-T-G. GRCh37 (hg19) VCF-style: chr12-57881962-T-G.
Other names: c.-204+433A>C (NM_001319850.2); short protein forms I30S.
Identifiers: ClinVar variation 2190158 (VCV002190158.4), dbSNP rs1412154411, ClinGen allele CA385490104.